The following is an entry in ClinVar:

NM_017777.4(MKS1):c.1090G>C (p.Ala364Pro)

Gene: MKS1 (MKS transition zone complex subunit 1; minus strand). Cytogenetic location: 17q22.
Variant type: single nucleotide variant.
Coding change: c.1090G>C on transcript NM_017777.4 (MANE Select); coding-DNA position 1090, G replaced by C.
Protein change: p.Ala364Pro; replaces alanine 364 with proline.
Molecular consequence: missense variant.
Genome position (GRCh38, 1-based): chr17:58,208,518, C>G on the plus strand (G>C on the coding strand, the complement: MKS1 is on the minus strand). VCF-style: chr17-58208518-C-G. GRCh37 (hg19) VCF-style: chr17-56285879-C-G.
Other names: c.481G>C, p.Ala161Pro (NM_001321268.2); c.1090G>C, p.Ala364Pro (NM_001321269.2, NM_001330397.2); short protein forms A364P, A161P.
Identifiers: ClinVar variation 852994 (VCV000852994.12), dbSNP rs769389013, ClinGen allele CA8669290.

ClinVar aggregate classification (germline): Uncertain significance. Review status: criteria provided, multiple submitters, no conflicts (2 of 4 stars). 4 submissions from 4 submitters: Uncertain significance (3). 1 of the submissions does not count toward it. Last evaluated 2026-03-13.

Conditions:
Meckel-Gruber syndrome. Also called: GRUBER SYNDROME; DYSENCEPHALIA SPLANCHNOCYSTICA; Dysencephalia splachnocystica. Identifiers: Orphanet 564, MedGen C0265215, MONDO:0018921.
Joubert syndrome. Also called: Familial aplasia of the vermis; JOUBERT-BOLTSHAUSER SYNDROME. Identifiers: Orphanet 475, MedGen C5979921, MONDO:0018772.
MKS1-related disorder. Also called: MKS1-related disorders; MKS1-related condition. Identifiers: MedGen CN239382.
Meckel syndrome, type 1 (MKS1). Also called: MECKEL-GRUBER SYNDROME, TYPE 1. Identifiers: Orphanet 564, MedGen C3714506, MONDO:0009571, OMIM 249000.

Allele frequency attached by ClinVar (database versions not stated): gnomAD 0.00001; gnomAD exomes 0.00001 and 0.00002; ExAC 0.00002.
gnomAD v4.1: 5 of 1,613,932 alleles (0.00031%); highest among the groups gnomAD compares: Admixed American, 0.0083%; no homozygotes.

Submissions (4):

PreventionGenetics, part of Exact Sciences
Classification: Uncertain significance for MKS1-related condition. Last evaluated: 2026-03-13. Review status: criteria provided, single submitter. Criteria: ACMG Guidelines, 2015. Collection method: clinical testing. Allele origin: germline.
Comment: The MKS1 c.1090G>C variant is predicted to result in the amino acid substitution p.Ala364Pro. To our knowledge, this variant has not been reported in the literature. This variant is reported in 0.012% of alleles in individuals of Latino descent in gnomAD. At this time, the clinical significance of this variant is uncertain due to the absence of conclusive functional and genetic evidence.

Labcorp Genetics (formerly Invitae), Labcorp
Classification: Uncertain significance for Joubert syndrome; Meckel-Gruber syndrome. Last evaluated: 2021-09-01. Review status: criteria provided, single submitter. Criteria: Invitae Variant Classification Sherloc (09022015). Collection method: clinical testing. Allele origin: germline.
Comment: This sequence change replaces alanine with proline at codon 364 of the MKS1 protein (p.Ala364Pro). The alanine residue is weakly conserved and there is a small physicochemical difference between alanine and proline. This variant is present in population databases (rs769389013, ExAC 0.02%). This variant has not been reported in the literature in individuals affected with MKS1-related conditions. Algorithms developed to predict the effect of missense changes on protein structure and function are either unavailable or do not agree on the potential impact of this missense change (SIFT: "Deleterious"; PolyPhen-2: "Benign"; Align-GVGD: "Class C0"). In summary, the available evidence is currently insufficient to determine the role of this variant in disease. Therefore, it has been classified as a Variant of Uncertain Significance.

GeneDx
Classification: Uncertain significance. Last evaluated: 2020-01-27. Review status: criteria provided, single submitter. Criteria: GeneDx Variant Classification Process June 2021. Collection method: clinical testing. Allele origin: germline. Affected: yes.
Comment: In silico analysis, which includes protein predictors and evolutionary conservation, supports that this variant does not alter protein structure/function; Has not been previously published as pathogenic or benign to our knowledge

Natera, Inc.
Classification: Uncertain significance for Meckel syndrome type 1. Last evaluated: 2020-09-16. Review status: no assertion criteria provided. Collection method: clinical testing. Allele origin: germline. Not counted in ClinVar's aggregate classification.